The following is an entry in ClinVar:

ClinVar aggregate classification (germline): Pathogenic. Review status: criteria provided, multiple submitters, no conflicts (2 of 4 stars). 2 submissions from 2 submitters: Pathogenic (2). Last evaluated 2024-07-02.
ClinVar aggregate classification (oncogenicity): Oncogenic (1 of 4 stars; one submission).

Conditions:
Familial adenomatous polyposis 1 (FAP1). Also called: FAMILIAL ADENOMATOUS POLYPOSIS 1, ATTENUATED; POLYPOSIS, ADENOMATOUS INTESTINAL. Identifiers: MedGen C2713442, MONDO:0021056, OMIM 175100. Disease mechanism: loss of function.
Neoplasm. Also called: Neoplasms; Neoplasm (disease); tumor. Identifiers: MedGen C0027651, MeSH D009369, MONDO:0005070, HP:0002664.

Submissions (3):

Center for Genomic Medicine, Rigshospitalet, Copenhagen University Hospital
Classification: Oncogenic for Neoplasm. Last evaluated: 2026-10-16. Review status: criteria provided, single submitter. Criteria: ClinGen/CGC/VICC Guidelines for Oncogenicity, 2022. Collection method: clinical testing. Allele origin: somatic. Affected: yes.

Quest Diagnostics Nichols Institute San Juan Capistrano
Classification: Pathogenic. Last evaluated: 2024-07-02. Review status: criteria provided, single submitter. Criteria: Quest Diagnostics criteria. Collection method: clinical testing. Allele origin: unknown.
Comment: The APC c.3871C>T (p.Gln1291*) variant causes the premature termination of APC protein synthesis. This variant has been reported in the published literature in a family with familial adenomatous polyposis (FAP) (PMID: 16088911 (2005)). This variant has not been reported in large, multi-ethnic general populations (Genome Aggregation Database). Based on the available information, this variant is classified as pathogenic.

Labcorp Genetics (formerly Invitae), Labcorp
Classification: Pathogenic for Familial adenomatous polyposis 1. Last evaluated: 2022-11-26. Review status: criteria provided, single submitter. Criteria: Invitae Variant Classification Sherloc (09022015). Collection method: clinical testing. Allele origin: germline.
Comment: This sequence change creates a premature translational stop signal (p.Gln1291*) in the APC gene. While this is not anticipated to result in nonsense mediated decay, it is expected to disrupt the last 1553 amino acid(s) of the APC protein. This variant is not present in population databases (gnomAD no frequency). This premature translational stop signal has been observed in individual(s) with familial adenomatous polyposis (PMID: 16088911). ClinVar contains an entry for this variant (Variation ID: 575517). This variant is expected to disrupt the EB1 and HDLG binding sites, which mediate interactions with the cytoskeleton (PMID: 15311282, 17293347). While functional studies have not been performed to directly test the effect on APC protein function, this suggests that disruption of the C-terminal portion of the protein is functionally important. A different truncation (p.Tyr2645Lysfs*14) that lies downstream of this variant has been determined to be pathogenic (PMID: 9824584, 1316610, 27081525, 8381579, 22135120, Invitae). This suggests that deletion of this region of the APC protein is causative of disease. For these reasons, this variant has been classified as Pathogenic.

Literature cited by the submitters: PubMed 10213492 (cited by Center for Genomic Medicine, Rigshospitalet, Copenhagen University Hospital); PubMed 17189293 (cited by Center for Genomic Medicine, Rigshospitalet, Copenhagen University Hospital); PubMed 16088911 (cited by 3 submitters); PubMed 15311282 (cited by Labcorp Genetics (formerly Invitae), Labcorp); PubMed 17293347 (cited by Labcorp Genetics (formerly Invitae), Labcorp); PubMed 9824584 (cited by Labcorp Genetics (formerly Invitae), Labcorp); PubMed 1316610 (cited by Labcorp Genetics (formerly Invitae), Labcorp); PubMed 27081525 (cited by Labcorp Genetics (formerly Invitae), Labcorp); PubMed 8381579 (cited by Labcorp Genetics (formerly Invitae), Labcorp); PubMed 22135120 (cited by Labcorp Genetics (formerly Invitae), Labcorp).

NM_000038.6(APC):c.3871C>T (p.Gln1291Ter)

Gene: APC (APC regulator of Wnt signaling pathway; plus strand). Cytogenetic location: 5q22.2.
Variant type: single nucleotide variant.
Coding change: c.3871C>T on transcript NM_000038.6 (MANE Select); coding-DNA position 3871, C replaced by T.
Protein change: p.Gln1291Ter; replaces glutamine 1291 with a stop codon.
Molecular consequence: nonsense.
Genome position (GRCh38, 1-based): chr5:112,839,465, C>T. VCF-style: chr5-112839465-C-T. GRCh37 (hg19) VCF-style: chr5-112175162-C-T.
Other names: c.3871C>T, p.Gln1291Ter (NM_001127510.3, NM_001354895.2); c.3817C>T, p.Gln1273Ter (NM_001127511.3); c.3925C>T, p.Gln1309Ter (NM_001354896.2); c.3901C>T, p.Gln1301Ter (NM_001354897.2); c.3796C>T, p.Gln1266Ter (NM_001354898.2); c.3787C>T, p.Gln1263Ter (NM_001354899.2); c.3748C>T, p.Gln1250Ter (NM_001354900.2); c.3694C>T, p.Gln1232Ter (NM_001354901.2); and 5 more; short protein forms Q1273*, Q1291*, Q1250*, Q1008*, Q1131*, Q1190*, Q1263*, Q1301*.
Identifiers: ClinVar variation 575517 (VCV000575517.14), dbSNP rs1561588104, ClinGen allele CA16029827.